The following is an entry in ClinVar:

NM_198252.3(GSN):c.1049A>G (p.Gln350Arg)

Gene: GSN (gelsolin; plus strand). Cytogenetic location: 9q33.2.
Variant type: single nucleotide variant.
Coding change: c.1049A>G on transcript NM_198252.3 (MANE Select); coding-DNA position 1049, A replaced by G.
Protein change: p.Gln350Arg; replaces glutamine 350 with arginine.
Molecular consequence: missense variant.
Genome position (GRCh38, 1-based): chr9:121,318,738, A>G. VCF-style: chr9-121318738-A-G. GRCh37 (hg19) VCF-style: chr9-124081016-A-G.
Other names: p.Gln401Arg; c.1202A>G, p.Gln401Arg (NM_000177.5); c.1049A>G, p.Gln350Arg (NM_001127662.2, NM_001127664.2, NM_001127665.2 and 10 more transcripts); c.1157A>G, p.Gln386Arg (NM_001127663.2); c.1082A>G, p.Gln361Arg (NM_001127666.2, NM_001127667.2, NM_001353072.2 and 13 more transcripts); c.1100A>G, p.Gln367Arg (NM_001258029.2); c.1073A>G, p.Gln358Arg (NM_001258030.2); c.1121A>G, p.Gln374Arg (NM_001353076.2); and 2 more; short protein forms Q358R, Q361R, Q132R, Q350R, Q367R, Q374R, Q386R, Q401R.
Identifiers: ClinVar variation 1440258 (VCV001440258.8), dbSNP rs769238518, ClinGen allele CA5221129.

ClinVar aggregate classification (germline): Uncertain significance. Review status: criteria provided, multiple submitters, no conflicts (2 of 4 stars). 3 submissions from 3 submitters: Uncertain significance (3). Last evaluated 2025-06-12.

Conditions:
GSN-related disorder. Also called: GSN-related condition.

Allele frequency attached by ClinVar (database versions not stated): TOPMed 0.00001; ExAC 0.00002; gnomAD exomes 0.00003.
gnomAD v4.1: 41 of 1,614,034 alleles (0.0025%); highest among the groups gnomAD compares: Middle Eastern, 0.016%; no homozygotes.

Submissions (3):

PreventionGenetics, part of Exact Sciences
Classification: Uncertain significance for GSN-related condition. Last evaluated: 2025-06-12. Review status: criteria provided, single submitter. Criteria: ACMG Guidelines, 2015. Collection method: clinical testing. Allele origin: germline.
Comment: The GSN c.1202A>G variant is predicted to result in the amino acid substitution p.Gln401Arg. To our knowledge, this variant has not been reported in the literature. This variant is reported in 0.023% of alleles in individuals of South Asian descent in gnomAD. At this time, the clinical significance of this variant is uncertain due to the absence of conclusive functional and genetic evidence.

Labcorp Genetics (formerly Invitae), Labcorp
Classification: Uncertain significance. Last evaluated: 2025-02-26. Review status: criteria provided, single submitter. Criteria: Invitae Variant Classification Sherloc (09022015). Collection method: clinical testing. Allele origin: germline.
Comment: This sequence change replaces glutamine, which is neutral and polar, with arginine, which is basic and polar, at codon 401 of the GSN protein (p.Gln401Arg). This variant is present in population databases (rs769238518, gnomAD 0.02%). This variant has not been reported in the literature in individuals affected with GSN-related conditions. ClinVar contains an entry for this variant (Variation ID: 1440258). Invitae Evidence Modeling of protein sequence and biophysical properties (such as structural, functional, and spatial information, amino acid conservation, physicochemical variation, residue mobility, and thermodynamic stability) indicates that this missense variant is not expected to disrupt GSN protein function with a negative predictive value of 80%. In summary, the available evidence is currently insufficient to determine the role of this variant in disease. Therefore, it has been classified as a Variant of Uncertain Significance.

Mayo Clinic Laboratories, Mayo Clinic
Classification: Uncertain significance. Last evaluated: 2024-11-11. Review status: criteria provided, single submitter. Criteria: ACMG Guidelines, 2015. Collection method: clinical testing. Allele origin: germline. Observed: 1 variant allele.
Comment: BP4